The following is an entry in ClinVar:

ClinVar aggregate classification (germline): Uncertain significance (1 of 4 stars; one submission).

Submission:

Labcorp Genetics (formerly Invitae), Labcorp
Classification: Uncertain significance. Last evaluated: 2021-06-28. Review status: criteria provided, single submitter. Criteria: Invitae Variant Classification Sherloc (09022015). Collection method: clinical testing. Allele origin: germline.
Comment: This sequence change replaces aspartic acid with glycine at codon 639 of the TUBGCP6 protein (p.Asp639Gly). The aspartic acid residue is moderately conserved and there is a moderate physicochemical difference between aspartic acid and glycine. This variant is not present in population databases (ExAC no frequency). This variant has not been reported in the literature in individuals with TUBGCP6-related conditions. Algorithms developed to predict the effect of missense changes on protein structure and function are either unavailable or do not agree on the potential impact of this missense change (SIFT: "Tolerated"; PolyPhen-2: "Probably Damaging"; Align-GVGD: "Class C0"). In summary, the available evidence is currently insufficient to determine the role of this variant in disease. Therefore, it has been classified as a Variant of Uncertain Significance.

NM_020461.4(TUBGCP6):c.1916A>G (p.Asp639Gly)

Gene: TUBGCP6 (tubulin gamma complex component 6; minus strand). Cytogenetic location: 22q13.33.
Variant type: single nucleotide variant.
Coding change: c.1916A>G on transcript NM_020461.4 (MANE Select); coding-DNA position 1916, A replaced by G.
Protein change: p.Asp639Gly; replaces aspartic acid 639 with glycine.
Molecular consequence: missense variant.
Genome position (GRCh38, 1-based): chr22:50,225,861, T>C on the plus strand (A>G on the coding strand, the complement: TUBGCP6 is on the minus strand). VCF-style: chr22-50225861-T-C. GRCh37 (hg19) VCF-style: chr22-50664290-T-C.
Other names: short protein forms D639G.
Identifiers: ClinVar variation 1364245 (VCV001364245.8), dbSNP rs2147187594, ClinGen allele CA412104955.
Genomic context (GRCh38, chr22:50,225,861, plus strand): 5'-TCCTTGCTGACAGAGCTGTGGCGGGCCACCCTCTCCATGCGCCCAACGTAGACGGCACAG[T>C]CCTTCTCAATCTCCTTCAACTCCTCAAGGGAGAAAATCACCGAGATCCGGGGGACAGGGA-3'
Protein context (NP_065194.3, residues 629-649): SLEELKEIEK[Asp639Gly]CAVYVGRMER